The following is an entry in ClinVar:

ClinVar aggregate classification (germline): Likely benign. Review status: reviewed by expert panel (3 of 4 stars). 3 submissions from 3 submitters: Likely benign (1). 2 of the submissions do not count toward it. Last evaluated 2026-04-29.

Conditions:
Hereditary thrombocytopenia and hematologic cancer predisposition syndrome. Identifiers: Orphanet 71290, MedGen CN281654, MONDO:0011071.
Hereditary thrombocytopenia and hematological cancer predisposition syndrome associated with RUNX1. Also called: Familial Platelet Disorder with Propensity to Acute Myelogenous Leukemia; Familial thrombocytopenia with propensity to acute myelogenous leukemia; PLATELET DISORDER, ASPIRIN-LIKE; RUNX1 Familial Platelet Disorder with Associated Myeloid Malignancies. Identifiers: Orphanet 71290, MedGen C1832388, MeSH C563324, MONDO:0100083, OMIM 601399.
Inborn genetic diseases. Identifiers: MedGen C0950123, MeSH D030342.

Submissions (3):

ClinGen Myeloid Malignancy Variant Curation Expert Panel
Classification: Likely benign for Hereditary thrombocytopenia and hematologic cancer predisposition syndrome. Last evaluated: 2026-04-29. Review status: reviewed by expert panel. Criteria: ClinGen MyeloMalig ACMG Specifications V3.1. Collection method: curation. Allele origin: germline. Inheritance: Autosomal dominant inheritance.
Comment: NM_001754.5(RUNX1):c.1383C>T (p.Asn461=) is a synonymous variant which has a SpliceAI score ≤ 0.20 (0.0) (BP4, BP7). This variant is completely absent from all population databases with at least 20x coverage for RUNX1 (PM2_supporting). In summary, this variant meets criteria to be classified as likely benign. ACMG/AMP criteria applied, as specified by the Myeloid Malignancy Variant Curation Expert Panel for RUNX1: BP4, BP7, PM2_supporting.

Ambry Genetics
Classification: Likely benign for Inborn genetic diseases. Last evaluated: 2026-09-12. Review status: criteria provided, single submitter. Criteria: Ambry Variant Classification Scheme 2023. Collection method: clinical testing. Allele origin: germline. Not counted in ClinVar's aggregate classification.

Labcorp Genetics (formerly Invitae), Labcorp
Classification: Likely benign for Hereditary thrombocytopenia and hematological cancer predisposition syndrome associated with RUNX1. Last evaluated: 2021-07-04. Review status: criteria provided, single submitter. Criteria: Invitae Variant Classification Sherloc (09022015). Collection method: clinical testing. Allele origin: germline. Not counted in ClinVar's aggregate classification.

NM_001754.5(RUNX1):c.1383C>T (p.Asn461=)

Gene: RUNX1 (RUNX family transcription factor 1; minus strand). Cytogenetic location: 21q22.12.
Variant type: single nucleotide variant.
Coding change: c.1383C>T on transcript NM_001754.5 (MANE Select); coding-DNA position 1383, C replaced by T.
Protein change: p.Asn461=; no amino-acid change (asparagine 461 retained).
Molecular consequence: synonymous variant.
Genome position (GRCh38, 1-based): chr21:34,792,195, G>A on the plus strand (C>T on the coding strand, the complement: RUNX1 is on the minus strand). VCF-style: chr21-34792195-G-A. GRCh37 (hg19) VCF-style: chr21-36164492-G-A.
Other names: NM_001754.5(RUNX1):c.1383C>T; p.Asn461=; c.1383C>T (NM_001754.4); c.1302C>T, p.Asn434= (NM_001001890.3).
Identifiers: ClinVar variation 1162089 (VCV001162089.13), dbSNP rs1238208846, ClinGen allele CA512232137.